The following is an entry in ClinVar:

NM_000124.4(ERCC6):c.3627dup (p.Lys1210Ter)

Gene: ERCC6 (ERCC excision repair 6, chromatin remodeling factor; minus strand). Cytogenetic location: 10q11.23.
Variant type: Duplication.
Coding change: c.3627dup on transcript NM_000124.4 (MANE Select); coding-DNA position 3627, one base duplicated (T; older notation c.3627dupT).
Protein change: p.Lys1210Ter; replaces lysine 1210 with a stop codon.
Molecular consequence: nonsense.
Genome position (GRCh38, 1-based): chr10:49,470,333, A duplicated on the plus strand (T on the coding strand, the reverse complement: ERCC6 is on the minus strand). VCF-style (leftmost placement, unchanged base first): chr10-49470332-T-TA. GRCh37 (hg19) VCF-style: chr10-50678378-T-TA.
Other names: c.3627dupT (NM_000124.2); c.3627dup, p.Lys1210Ter (NM_001346440.2); short protein forms K1210*.
Identifiers: ClinVar variation 554825 (VCV000554825.10), dbSNP rs1554875154, ClinGen allele CA658822989.

ClinVar aggregate classification (germline): Pathogenic. Review status: criteria provided, single submitter (1 of 4 stars). 2 submissions from 2 submitters: Pathogenic (1). 1 of the submissions does not count toward it. Last evaluated 2020-01-14.

Conditions:
DE SANCTIS-CACCHIONE SYNDROME. Identifiers: MedGen C0265201, MONDO:0010217, OMIM 278800.
Cockayne syndrome type 2 (CSB). Also called: Cockayne Syndrome, Type II; COCKAYNE SYNDROME B. Identifiers: Orphanet 191, Orphanet 90322, MedGen C0751038, MONDO:0019570, OMIM 133540.
Cerebrooculofacioskeletal syndrome 1 (COFS1). Also called: Cerebro-oculo-facio-skeletal syndrome 1. Identifiers: MedGen C0220722, MONDO:0008955, OMIM 214150.

Submissions (2):

Labcorp Genetics (formerly Invitae), Labcorp
Classification: Pathogenic. Last evaluated: 2020-01-14. Review status: criteria provided, single submitter. Criteria: Invitae Variant Classification Sherloc (09022015). Collection method: clinical testing. Allele origin: germline.
Comment: This variant has been observed in individual(s) with Cockayne syndrome (PMID: 29572252). ClinVar contains an entry for this variant (Variation ID: 554825). This variant is not present in population databases (ExAC no frequency). This sequence change creates a premature translational stop signal (p.Lys1210*) in the ERCC6 gene. It is expected to result in an absent or disrupted protein product. Loss-of-function variants in ERCC6 are known to be pathogenic (PMID: 9443879, 18628313). For these reasons, this variant has been classified as Pathogenic.

Counsyl
Classification: Likely pathogenic for Cockayne syndrome type 2; Cerebrooculofacioskeletal syndrome 1; DE SANCTIS-CACCHIONE SYNDROME. Last evaluated: 2017-11-07. Review status: no assertion criteria provided. Collection method: clinical testing. Allele origin: unknown. Not counted in ClinVar's aggregate classification.

Literature cited by the submitters: PubMed 29572252 (cited by Labcorp Genetics (formerly Invitae), Labcorp); PubMed 9443879 (cited by Labcorp Genetics (formerly Invitae), Labcorp); PubMed 18628313 (cited by Labcorp Genetics (formerly Invitae), Labcorp).